The following is an entry in ClinVar:

NM_003954.5(MAP3K14):c.823T>C (p.Trp275Arg)

Gene: MAP3K14 (mitogen-activated protein kinase kinase kinase 14; minus strand). Cytogenetic location: 17q21.31.
Variant type: single nucleotide variant.
Coding change: c.823T>C on transcript NM_003954.5 (MANE Select); coding-DNA position 823, T replaced by C.
Protein change: p.Trp275Arg; replaces tryptophan 275 with arginine.
Molecular consequence: missense variant.
Genome position (GRCh38, 1-based): chr17:45,286,760, A>G on the plus strand (T>C on the coding strand, the complement: MAP3K14 is on the minus strand). VCF-style: chr17-45286760-A-G. GRCh37 (hg19) VCF-style: chr17-43364127-A-G.
Other names: c.823T>C, p.Trp275Arg (LRG_1222t1); short protein forms W275R.
Identifiers: ClinVar variation 544322 (VCV000544322.5), dbSNP rs373635359, ClinGen allele CA8614267.

ClinVar aggregate classification (germline): Uncertain significance (1 of 4 stars; one submission).

Conditions:
NIK deficiency. Also called: Primary immunodeficiency with multifaceted aberrant lymphoid immunity. Identifiers: Orphanet 447731, MedGen C5680065, MONDO:0018642.

Allele frequency attached by ClinVar (database versions not stated): gnomAD exomes 0.00004 and 0.00013; ExAC 0.00019; ESP Exome Variant Server 0.00041; gnomAD 0.00051 and 0.00052; TOPMed 0.00053; 1000 Genomes Project 0.00100; 1000 Genomes Project 30x 0.00125.
gnomAD v4.1: 135 of 1,611,560 alleles (0.0084%); highest among the groups gnomAD compares: African/African-American, 0.17%; no homozygotes.

Submission:

Labcorp Genetics (formerly Invitae), Labcorp
Classification: Uncertain significance for NIK deficiency. Last evaluated: 2025-01-13. Review status: criteria provided, single submitter. Criteria: Invitae Variant Classification Sherloc (09022015). Collection method: clinical testing. Allele origin: germline.
Comment: This sequence change replaces tryptophan, which is neutral and slightly polar, with arginine, which is basic and polar, at codon 275 of the MAP3K14 protein (p.Trp275Arg). This variant is present in population databases (rs373635359, gnomAD 0.2%). This variant has not been reported in the literature in individuals affected with MAP3K14-related conditions. ClinVar contains an entry for this variant (Variation ID: 544322). An algorithm developed to predict the effect of missense changes on protein structure and function outputs the following: PolyPhen-2: "Not Available". The arginine amino acid residue is found in multiple mammalian species, which suggests that this missense change does not adversely affect protein function. In summary, the available evidence is currently insufficient to determine the role of this variant in disease. Therefore, it has been classified as a Variant of Uncertain Significance.